The following is an entry in ClinVar:

ClinVar aggregate classification (germline): Benign. Review status: criteria provided, multiple submitters, no conflicts (2 of 4 stars). 8 submissions from 8 submitters: Benign (7). 1 of the submissions does not count toward it. Last evaluated 2026-01-27.

Conditions:
Emery-Dreifuss muscular dystrophy 5, autosomal dominant (EDMD5). Also called: EMERY-DREIFUSS MUSCULAR DYSTROPHY 5. Identifiers: Orphanet 261, MedGen C2751805, MONDO:0013072, OMIM 612999.

Allele frequency attached by ClinVar (database versions not stated): gnomAD exomes 0.00746; ExAC 0.00968; gnomAD 0.02900 and 0.03110; TOPMed 0.03241; ESP Exome Variant Server 0.03445; 1000 Genomes Project 0.03774; 1000 Genomes Project 30x 0.03998.
gnomAD v4.1: 8,715 of 1,613,968 alleles (0.54%); highest among the groups gnomAD compares: African/African-American, 10%; 416 homozygotes.

Submissions (12):

Labcorp Genetics (formerly Invitae), Labcorp
Classification: Benign for Emery-Dreifuss muscular dystrophy 5, autosomal dominant. Last evaluated: 2026-01-27. Review status: criteria provided, single submitter. Criteria: Invitae Variant Classification Sherloc (09022015). Collection method: clinical testing. Allele origin: germline.

Athena Diagnostics
Classification: Benign. Last evaluated: 2024-08-01. Review status: criteria provided, single submitter. Criteria: Athena Diagnostics Criteria. Collection method: clinical testing. Allele origin: unknown.

GeneDx
Classification: Benign. Last evaluated: 2018-07-09. Review status: criteria provided, single submitter. Criteria: GeneDx Variant Classification Process June 2021. Collection method: clinical testing. Allele origin: germline. Affected: yes.

Illumina Laboratory Services, Illumina
Classification: Benign for Emery-Dreifuss muscular dystrophy 5, autosomal dominant. Last evaluated: 2018-01-12. Review status: criteria provided, single submitter. Criteria: ICSL Variant Classification Criteria 13 December 2019. Collection method: clinical testing. Allele origin: germline.
Comment: This variant was observed in the ICSL laboratory as part of a predisposition screen in an ostensibly healthy population. It had not been previously curated by ICSL or reported in the Human Gene Mutation Database (HGMD: prior to June 1st, 2018), and was therefore a candidate for classification through an automated scoring system. Utilizing variant allele frequency, disease prevalence and penetrance estimates, and inheritance mode, an automated score was calculated to assess if this variant is too frequent to cause the disease. Based on the score and internal cut-off values, a variant classified as benign is not then subjected to further curation. The score for this variant resulted in a classification of benign for this disease.

Genome Diagnostics Laboratory, University Medical Center Utrecht
Classification: Benign for Emery-Dreifuss muscular dystrophy 5, autosomal dominant. Last evaluated: 2016-07-08. Review status: criteria provided, single submitter. Criteria: ACGS Guidelines, 2013. Collection method: clinical testing. Allele origin: germline. Affected: yes. Study: VKGL Data-share Consensus.

Genetic Services Laboratory, University of Chicago
Classification: Benign for AllHighlyPenetrant. Last evaluated: 2013-08-15. Review status: criteria provided, single submitter. Criteria: ACMG Guidelines, 2007. Collection method: clinical testing. Allele origin: germline. Inheritance: Autosomal dominant inheritance.

Breakthrough Genomics
Classification: Benign. Review status: criteria provided, single submitter. Criteria: ACMG Guidelines, 2015. Collection method: not provided. Allele origin: germline. Inheritance: Autosomal dominant inheritance. Affected: yes.

Clinical Genetics, Academic Medical Center
Classification: Benign. Review status: no assertion criteria provided. Collection method: clinical testing. Allele origin: germline. Affected: yes. Study: VKGL Data-share Consensus. Not counted in ClinVar's aggregate classification.

Dr. Peter K. Rogan Lab, Western University
No classification provided (evidence only). Condition: Uterine corpus endometrial carcinoma. Review status: no classification provided. Collection method: in vitro. Allele origin: not applicable. Functional consequence: retained intron. Not counted in ClinVar's aggregate classification.

Dr. Peter K. Rogan Lab, Western University
No classification provided (evidence only). Condition: Cervical cancer. Review status: no classification provided. Collection method: in vitro. Allele origin: not applicable. Functional consequence: retained intron. Not counted in ClinVar's aggregate classification.

Dr. Peter K. Rogan Lab, Western University
No classification provided (evidence only). Condition: Cervical cancer. Review status: no classification provided. Collection method: in vitro. Allele origin: not applicable. Functional consequence: retained intron. Not counted in ClinVar's aggregate classification.

Dr. Peter K. Rogan Lab, Western University
No classification provided (evidence only). Condition: Thymoma. Review status: no classification provided. Collection method: in vitro. Allele origin: not applicable. Functional consequence: skipped exon, retained intron. Not counted in ClinVar's aggregate classification.

NM_182914.3(SYNE2):c.13423-7C>G

Gene: SYNE2 (spectrin repeat containing nuclear envelope protein 2; plus strand). Cytogenetic location: 14q23.2.
Variant type: single nucleotide variant.
Coding change: c.13423-7C>G on transcript NM_182914.3 (MANE Select); 7 bases into the intron before coding-DNA position 13423, C replaced by G.
Molecular consequence: intron variant.
Genome position (GRCh38, 1-based): chr14:64,125,072, C>G. VCF-style: chr14-64125072-C-G. GRCh37 (hg19) VCF-style: chr14-64591790-C-G.
Other names: c.13423-7C>G (NM_015180.6).
Identifiers: ClinVar variation 130473 (VCV000130473.26), dbSNP rs7140414, ClinGen allele CA155535.
Genomic context (GRCh38, chr14:64,125,072, plus strand): 5'-AAAATAAATTAATTAACATCAGCAGGGTCTAAAACTGTCAGTAATAGGGTTTTCCTTTGT[C>G]AAATAGGTTTCCACAAATATGGGTATTCTACCCAGCGTGACTATGTATAACTTTAGATAC-3'